The following is an entry in ClinVar:

NM_001035.3(RYR2):c.5213T>C (p.Leu1738Pro)

Gene: RYR2 (ryanodine receptor 2; plus strand). Cytogenetic location: 1q43.
Variant type: single nucleotide variant.
Coding change: c.5213T>C on transcript NM_001035.3 (MANE Select); coding-DNA position 5213, T replaced by C.
Protein change: p.Leu1738Pro; replaces leucine 1738 with proline.
Molecular consequence: missense variant.
Genome position (GRCh38, 1-based): chr1:237,614,341, T>C. VCF-style: chr1-237614341-T-C. GRCh37 (hg19) VCF-style: chr1-237777641-T-C.
Other names: short protein forms L1738P.
Identifiers: ClinVar variation 918192 (VCV000918192.4), dbSNP rs1678227269, ClinGen allele CA345404314.

ClinVar aggregate classification (germline): Uncertain significance (1 of 4 stars; one submission).

Conditions:
Cardiomyopathy (CMYO). Also called: Cardiomyopathies. Identifiers: Orphanet 167848, MedGen C0878544, MONDO:0004994, HP:0001638. Inheritance: Various modes of inheritance.

Submission:

Color Diagnostics, LLC DBA Color Health
Classification: Uncertain significance for Cardiomyopathy. Last evaluated: 2023-12-05. Review status: criteria provided, single submitter. Criteria: ACMG Guidelines, 2015. Collection method: clinical testing. Allele origin: germline.
Comment: This missense variant replaces leucine with proline at codon 1738 of the RYR2 protein. Computational prediction suggests that this variant may have deleterious impact on protein structure and function (internally defined REVEL score threshold >= 0.7, PMID: 27666373). To our knowledge, functional studies have not been reported for this variant. This variant has not been reported in individuals affected with RYR2-related disorders in the literature. This variant has not been identified in the general population by the Genome Aggregation Database (gnomAD). The available evidence is insufficient to determine the role of this variant in disease conclusively. Therefore, this variant is classified as a Variant of Uncertain Significance.